The following is an entry in ClinVar:

ClinVar aggregate classification (germline): Uncertain significance. Review status: criteria provided, multiple submitters, no conflicts (2 of 4 stars). 3 submissions from 3 submitters: Uncertain significance (3). Last evaluated 2026-07-03.

Conditions:
SCN11A-related disorder. Also called: SCN11A-related condition.
Hereditary sensory and autonomic neuropathy type 7. Also called: Neuropathy, hereditary sensory and autonomic, type VII; HSAN VII. Identifiers: Orphanet 391397, MedGen C3809882, MONDO:0014244, OMIM 615548.
Familial episodic pain syndrome with predominantly lower limb involvement. Also called: Episodic pain syndrome, familial, 3. Identifiers: Orphanet 391384, Orphanet 391392, MedGen C3809899, MONDO:0014247, OMIM 615552.

Allele frequency attached by ClinVar (database versions not stated): gnomAD exomes 0.00001; ExAC 0.00002; gnomAD 0.00002; TOPMed 0.00003.
gnomAD v4.1: 24 of 1,613,792 alleles (0.0015%); highest among the groups gnomAD compares: African/African-American, 0.0027%; no homozygotes.

Submissions (3):

PreventionGenetics, part of Exact Sciences
Classification: Uncertain significance for SCN11A-related condition. Last evaluated: 2026-07-03. Review status: criteria provided, single submitter. Criteria: ACMG Guidelines, 2015. Collection method: clinical testing. Allele origin: germline.
Comment: The SCN11A c.890A>G variant is predicted to result in the amino acid substitution p.Tyr297Cys. To our knowledge, this variant has not been reported in the literature. This variant is reported in 0.0031% of alleles in individuals of European (Non-Finnish) descent in gnomAD. At this time, the clinical significance of this variant is uncertain due to the absence of conclusive functional and genetic evidence.

GeneDx
Classification: Uncertain significance. Last evaluated: 2026-03-10. Review status: criteria provided, single submitter. Criteria: GeneDx Variant Classification Process June 2021. Collection method: clinical testing. Allele origin: germline.
Comment: Not observed at significant frequency in large population cohorts (gnomAD); In silico analysis suggests that this missense variant does not alter protein structure/function; Has not been previously published as pathogenic or benign to our knowledge

Labcorp Genetics (formerly Invitae), Labcorp
Classification: Uncertain significance for Familial episodic pain syndrome with predominantly lower limb involvement; Hereditary sensory and autonomic neuropathy type 7. Last evaluated: 2023-02-10. Review status: criteria provided, single submitter. Criteria: Invitae Variant Classification Sherloc (09022015). Collection method: clinical testing. Allele origin: germline.
Comment: This sequence change replaces tyrosine, which is neutral and polar, with cysteine, which is neutral and slightly polar, at codon 297 of the SCN11A protein (p.Tyr297Cys). This variant is present in population databases (rs759471303, gnomAD 0.004%). This variant has not been reported in the literature in individuals affected with SCN11A-related conditions. Algorithms developed to predict the effect of missense changes on protein structure and function output the following: SIFT: "Tolerated"; PolyPhen-2: "Benign"; Align-GVGD: "Class C0". The cysteine amino acid residue is found in multiple mammalian species, which suggests that this missense change does not adversely affect protein function. In summary, the available evidence is currently insufficient to determine the role of this variant in disease. Therefore, it has been classified as a Variant of Uncertain Significance.

NM_001349253.2(SCN11A):c.890A>G (p.Tyr297Cys)

Gene: SCN11A (sodium voltage-gated channel alpha subunit 11; minus strand). Cytogenetic location: 3p22.2.
Variant type: single nucleotide variant.
Coding change: c.890A>G on transcript NM_001349253.2 (MANE Select); coding-DNA position 890, A replaced by G.
Protein change: p.Tyr297Cys; replaces tyrosine 297 with cysteine.
Molecular consequence: missense variant.
Genome position (GRCh38, 1-based): chr3:38,921,078, T>C on the plus strand (A>G on the coding strand, the complement: SCN11A is on the minus strand). VCF-style: chr3-38921078-T-C. GRCh37 (hg19) VCF-style: chr3-38962569-T-C.
Other names: c.890A>G, p.Tyr297Cys (NM_014139.3); c.890A>G (NM_014139.2); short protein forms Y297C.
Identifiers: ClinVar variation 2923527 (VCV002923527.4), dbSNP rs759471303, ClinGen allele CA2322486.